The following is an entry in ClinVar:

ClinVar aggregate classification (germline): Uncertain significance (1 of 4 stars; one submission).

Allele frequency attached by ClinVar (database versions not stated): gnomAD exomes below 0.00001; TOPMed 0.00001.
gnomAD v4.1: 7 of 1,614,250 alleles (0.00043%); highest among the groups gnomAD compares: Non-Finnish European, 0.00059%; no homozygotes.

Submission:

Labcorp Genetics (formerly Invitae), Labcorp
Classification: Uncertain significance. Last evaluated: 2022-02-09. Review status: criteria provided, single submitter. Criteria: Invitae Variant Classification Sherloc (09022015). Collection method: clinical testing. Allele origin: germline.
Comment: Algorithms developed to predict the effect of missense changes on protein structure and function (SIFT, PolyPhen-2, Align-GVGD) all suggest that this variant is likely to be tolerated. In summary, the available evidence is currently insufficient to determine the role of this variant in disease. Therefore, it has been classified as a Variant of Uncertain Significance. This sequence change replaces threonine, which is neutral and polar, with serine, which is neutral and polar, at codon 925 of the PLXNA2 protein (p.Thr925Ser). This variant is not present in population databases (gnomAD no frequency). This variant has not been reported in the literature in individuals affected with PLXNA2-related conditions.

NM_025179.4(PLXNA2):c.2774C>G (p.Thr925Ser)

Gene: PLXNA2 (plexin A2; minus strand). Cytogenetic location: 1q32.2.
Variant type: single nucleotide variant.
Coding change: c.2774C>G on transcript NM_025179.4 (MANE Select); coding-DNA position 2774, C replaced by G.
Protein change: p.Thr925Ser; replaces threonine 925 with serine.
Molecular consequence: missense variant.
Genome position (GRCh38, 1-based): chr1:208,054,503, G>C on the plus strand (C>G on the coding strand, the complement: PLXNA2 is on the minus strand). VCF-style: chr1-208054503-G-C. GRCh37 (hg19) VCF-style: chr1-208227848-G-C.
Other names: short protein forms T925S.
Identifiers: ClinVar variation 1358547 (VCV001358547.6), dbSNP rs1571866852, ClinGen allele CA344565689.
Genomic context (GRCh38, chr1:208,054,503, plus strand): 5'-GACTTCGTCATGAACTCTGGCTTACACTCGCCAATACACAGGCGTACTGGCCCGGAGGTG[G>C]TTCCCACGAGGGCATGGCCCATCTCACAGACAATCCTGGGGAGAAAGCAAACCTTCTGGT-3'
Protein context (NP_079455.3, residues 915-935): VCEMGHALVG[Thr925Ser]TSGPVRLCIG